The following is an entry in ClinVar:

NM_002439.5(MSH3):c.2353A>G (p.Ile785Val)

Gene: MSH3 (mutS homolog 3; plus strand). Cytogenetic location: 5q14.1.
Variant type: single nucleotide variant.
Coding change: c.2353A>G on transcript NM_002439.5 (MANE Select); coding-DNA position 2353, A replaced by G.
Protein change: p.Ile785Val; replaces isoleucine 785 with valine.
Molecular consequence: missense variant.
Genome position (GRCh38, 1-based): chr5:80,778,754, A>G. VCF-style: chr5-80778754-A-G. GRCh37 (hg19) VCF-style: chr5-80074573-A-G.
Other names: short protein forms I785V.
Identifiers: ClinVar variation 2890369 (VCV002890369.3), dbSNP rs2546779520, ClinGen allele CA360281768.

ClinVar aggregate classification (germline): Uncertain significance (1 of 4 stars; one submission).

Allele frequency attached by ClinVar (database versions not stated): gnomAD exomes below 0.00001.
gnomAD v4.1: 2 of 1,612,690 alleles (0.00012%); highest among the groups gnomAD compares: African/African-American, 0.0013%; no homozygotes.

Submission:

Labcorp Genetics (formerly Invitae), Labcorp
Classification: Uncertain significance. Last evaluated: 2025-02-15. Review status: criteria provided, single submitter. Criteria: Invitae Variant Classification Sherloc (09022015). Collection method: clinical testing. Allele origin: germline.
Comment: This sequence change replaces isoleucine, which is neutral and non-polar, with valine, which is neutral and non-polar, at codon 785 of the MSH3 protein (p.Ile785Val). This variant is not present in population databases (gnomAD no frequency). This variant has not been reported in the literature in individuals affected with MSH3-related conditions. ClinVar contains an entry for this variant (Variation ID: 2890369). An algorithm developed to predict the effect of missense changes on protein structure and function outputs the following: PolyPhen-2: "Benign". The valine amino acid residue is found in multiple mammalian species, which suggests that this missense change does not adversely affect protein function. In summary, the available evidence is currently insufficient to determine the role of this variant in disease. Therefore, it has been classified as a Variant of Uncertain Significance.